The following is an entry in ClinVar:

NM_004539.4(NARS1):c.964C>T (p.Arg322Trp)

Gene: NARS1 (asparaginyl-tRNA synthetase 1; minus strand). Cytogenetic location: 18q21.31.
Variant type: single nucleotide variant.
Coding change: c.964C>T on transcript NM_004539.4 (MANE Select); coding-DNA position 964, C replaced by T.
Protein change: p.Arg322Trp; replaces arginine 322 with tryptophan.
Molecular consequence: missense variant.
Genome position (GRCh38, 1-based): chr18:57,607,171, G>A on the plus strand (C>T on the coding strand, the complement: NARS1 is on the minus strand). VCF-style: chr18-57607171-G-A. GRCh37 (hg19) VCF-style: chr18-55274403-G-A.
Other names: short protein forms R322W.
Identifiers: ClinVar variation 3360902 (VCV003360902.3).

ClinVar aggregate classification (germline): Uncertain significance. Review status: criteria provided, multiple submitters, no conflicts (2 of 4 stars). 2 submissions from 2 submitters: Uncertain significance (2). Last evaluated 2026-08-24.

Conditions:
Neurodevelopmental disorder with microcephaly, impaired language, and gait abnormalities. Identifiers: MedGen C5436783, MONDO:0100348, OMIM 619091.

gnomAD v4.1: 3 of 1,613,940 alleles (0.00019%); highest among the groups gnomAD compares: Non-Finnish European, 0.00017%; no homozygotes.

Submissions (2):

GeneDx
Classification: Uncertain significance. Last evaluated: 2026-08-24. Review status: criteria provided, single submitter. Criteria: GeneDx Variant Classification Process June 2021. Collection method: clinical testing. Allele origin: germline.
Comment: Not observed at significant frequency in large population cohorts (gnomAD); In silico analysis supports that this missense variant has a deleterious effect on protein structure/function; Has not been previously published as pathogenic or benign to our knowledge.

University of Washington Department of Laboratory Medicine, University of Washington
Classification: Uncertain significance for Neurodevelopmental disorder with microcephaly, impaired language, and gait abnormalities. Last evaluated: 2022-09-09. Review status: criteria provided, single submitter. Criteria: ACMG Guidelines, 2015. Collection method: clinical testing. Allele origin: unknown. Affected: yes.
Comment: The p.Arg322Trp variant was absent from large population databases, including the Genome Aggregation Database. A different amino acid change at this position (p.Arg322Leu) was reported de novo in an individual with NARS1-related neurodevelopmental disorder (Manole 2020). The reported individual also carried a second NARS1 variant, but given the de novo p.Arg322Leu variant and other information, it was predicted that this was an autosomal dominant form of the disorder. In silico tools predict that the p.Arg322Trp variant is deleterious; however, these predictions have not been tested directly. Using ACMG guidelines, this variant was classified as a variant of uncertain significance (ACMG evidence codes used: PM5, PM2_supporting, PP3).